The following is an entry in ClinVar:

NM_016492.5(RANGRF):c.389G>A (p.Arg130Lys)

Genes: RANGRF (RAN guanine nucleotide release factor; plus strand), SLC25A35 (solute carrier family 25 member 35; minus strand). Cytogenetic location: 17p13.1.
Variant type: single nucleotide variant.
Coding change: c.389G>A on transcript NM_016492.5 (MANE Select); coding-DNA position 389, G replaced by A.
Protein change: p.Arg130Lys; replaces arginine 130 with lysine.
Molecular consequence: missense variant. On other transcripts: synonymous variant (1), 3 prime UTR variant (1), non-coding transcript variant (1), intron variant (3).
Genome position (GRCh38, 1-based): chr17:8,289,540, G>A. VCF-style: chr17-8289540-G-A. GRCh37 (hg19) VCF-style: chr17-8192858-G-A.
Other names: c.389G>A, p.Arg130Lys (NM_001177801.2); c.477G>A, p.Glu159= (NM_001177802.2); c.*76C>T (NM_201520.3); c.*42+34C>T (NM_001320871.2, NM_001320872.2); c.351+126G>A (NM_001330127.2); short protein forms R130K.
Identifiers: ClinVar variation 646452 (VCV000646452.11), dbSNP rs546562640, ClinGen allele CA8374409.

ClinVar aggregate classification (germline): Uncertain significance. Review status: criteria provided, multiple submitters, no conflicts (2 of 4 stars). 2 submissions from 2 submitters: Uncertain significance (2). Last evaluated 2025-08-12.

Conditions:
Cardiac arrhythmia. Also called: Arrhythmia; Cardiac rhythm disease. Identifiers: MedGen C0003811, MONDO:0007263, HP:0011675.

Allele frequency attached by ClinVar (database versions not stated): gnomAD 0.00001; ExAC 0.00002; gnomAD exomes below 0.00001 and 0.00001; 1000 Genomes Project 30x 0.00031; 1000 Genomes Project 0.00040; TOPMed below 0.00001.
gnomAD v4.1: 7 of 1,614,166 alleles (0.00043%); highest among the groups gnomAD compares: African/African-American, 0.008%; no homozygotes.

Submissions (2):

Ambry Genetics
Classification: Uncertain significance. Last evaluated: 2025-08-12. Review status: criteria provided, single submitter. Criteria: Ambry Variant Classification Scheme 2023. Collection method: clinical testing. Allele origin: germline.

Labcorp Genetics (formerly Invitae), Labcorp
Classification: Uncertain significance for Cardiac arrhythmia. Last evaluated: 2024-11-13. Review status: criteria provided, single submitter. Criteria: Invitae Variant Classification Sherloc (09022015). Collection method: clinical testing. Allele origin: germline.
Comment: This sequence change replaces arginine, which is basic and polar, with lysine, which is basic and polar, at codon 130 of the RANGRF protein (p.Arg130Lys). This variant is present in population databases (rs546562640, gnomAD 0.02%). This variant has not been reported in the literature in individuals affected with RANGRF-related conditions. ClinVar contains an entry for this variant (Variation ID: 646452). An algorithm developed to predict the effect of missense changes on protein structure and function (PolyPhen-2) suggests that this variant is likely to be disruptive. In summary, the available evidence is currently insufficient to determine the role of this variant in disease. Therefore, it has been classified as a Variant of Uncertain Significance.